The following is an entry in ClinVar:

NM_006279.5(ST3GAL3):c.729_730insCTGTAATCCCAGCACTTTGGGAGGCCGAGGCGGGTGGATCATGAGGTCAGGAGATCGAGACCATCCTGGCTAACAAGGTGAAACCCCGTCTCTACTAAAAATACAAAAAATTAGCCGGNNNNNNNNNNAAAAAAAAAAAAAAAAAAAAGAAATACATCGTC (p.Tyr244delinsLeuTer)

Gene: ST3GAL3 (ST3 beta-galactoside alpha-2,3-sialyltransferase 3; plus strand). Cytogenetic location: 1p34.1.
Variant type: Insertion.
Coding change: c.729_730insCTGTAATCCCAGCACTTTGGGAGGCCGAGGCGGGTGGATCATGAGGTCAGGAGATCGAGACCATCCTGGCTAACAAGGTGAAACCCCGTCTCTACTAAAAATACAAAAAATTAGCCGGNNNNNNNNNNAAAAAAAAAAAAAAAAAAAAGAAATACATCGTC on transcript NM_006279.5 (MANE Select); coding-DNA positions 729 to 730, CTGTAATCCCAGCACTTTGGGAGGCCGAGGCGGGTGGATCATGAGGTCAGGAGATCGAGACCATCCTGGCTAACAAGGTGAAACCCCGTCTCTACTAAAAATACAAAAAATTAGCCGGNNNNNNNNNNAAAAAAAAAAAAAAAAAAAAGAAATACATCGTC inserted.
Protein change: p.Tyr244delinsLeuTer.
Molecular consequence: nonsense. On other transcripts: non-coding transcript variant (5), intron variant (7).
Genome position: GRCh38: chr1:43,899,712-43,899,713. GRCh37 (hg19): chr1:44,365,384-44,365,385.
Other names: c.729_730insCTGTAATCCCAGCACTTTGGGAGGCCGAGGCGGGTGGATCATGAGGTCAGGAGATCGAGACCATCCTGGCTAACAAGGTGAAACCCCGTCTCTACTAAAAATACAAAAAATTAGCCGGNNNNNNNNNNAAAAAAAAAAAAAAAAAAAAGAAATACATCGTC, p.Tyr244delinsLeuTer (NM_001270459.2, NM_001350620.2, NM_174966.4); c.636_637insCTGTAATCCCAGCACTTTGGGAGGCCGAGGCGGGTGGATCATGAGGTCAGGAGATCGAGACCATCCTGGCTAACAAGGTGAAACCCCGTCTCTACTAAAAATACAAAAAATTAGCCGGNNNNNNNNNNAAAAAAAAAAAAAAAAAAAAGAAATACATCGTC, p.Tyr213delinsLeuTer (NM_001270460.2); c.681_682insCTGTAATCCCAGCACTTTGGGAGGCCGAGGCGGGTGGATCATGAGGTCAGGAGATCGAGACCATCCTGGCTAACAAGGTGAAACCCCGTCTCTACTAAAAATACAAAAAATTAGCCGGNNNNNNNNNNAAAAAAAAAAAAAAAAAAAAGAAATACATCGTC, p.Tyr228delinsLeuTer (NM_001270461.3, NM_174969.4); c.588_589insCTGTAATCCCAGCACTTTGGGAGGCCGAGGCGGGTGGATCATGAGGTCAGGAGATCGAGACCATCCTGGCTAACAAGGTGAAACCCCGTCTCTACTAAAAATACAAAAAATTAGCCGGNNNNNNNNNNAAAAAAAAAAAAAAAAAAAAGAAATACATCGTC, p.Tyr197delinsLeuTer (NM_001270462.3); c.774_775insCTGTAATCCCAGCACTTTGGGAGGCCGAGGCGGGTGGATCATGAGGTCAGGAGATCGAGACCATCCTGGCTAACAAGGTGAAACCCCGTCTCTACTAAAAATACAAAAAATTAGCCGGNNNNNNNNNNAAAAAAAAAAAAAAAAAAAAGAAATACATCGTC, p.Tyr259delinsLeuTer (NM_001350619.2, NM_174964.4); c.450_451insCTGTAATCCCAGCACTTTGGGAGGCCGAGGCGGGTGGATCATGAGGTCAGGAGATCGAGACCATCCTGGCTAACAAGGTGAAACCCCGTCTCTACTAAAAATACAAAAAATTAGCCGGNNNNNNNNNNAAAAAAAAAAAAAAAAAAAAGAAATACATCGTC, p.Tyr151delinsLeuTer (NM_001350621.2); c.891_892insCTGTAATCCCAGCACTTTGGGAGGCCGAGGCGGGTGGATCATGAGGTCAGGAGATCGAGACCATCCTGGCTAACAAGGTGAAACCCCGTCTCTACTAAAAATACAAAAAATTAGCCGGNNNNNNNNNNAAAAAAAAAAAAAAAAAAAAGAAATACATCGTC, p.Tyr298delinsLeuTer (NM_001363573.2, NM_174968.5); c.936_937insCTGTAATCCCAGCACTTTGGGAGGCCGAGGCGGGTGGATCATGAGGTCAGGAGATCGAGACCATCCTGGCTAACAAGGTGAAACCCCGTCTCTACTAAAAATACAAAAAATTAGCCGGNNNNNNNNNNAAAAAAAAAAAAAAAAAAAAGAAATACATCGTC, p.Tyr313delinsLeuTer (NM_174963.5); and 8 more.
Identifiers: ClinVar variation 1410626 (VCV001410626.7), dbSNP rs2154270971.

ClinVar aggregate classification (germline): Pathogenic (1 of 4 stars; one submission).

Conditions:
Early-infantile DEE. Also called: Early infantile epileptic encephalopathy; Ohtahara syndrome; Early infantile epileptic encephalopathy with suppression bursts. Identifiers: Orphanet 1934, MedGen C0393706, MONDO:0800491.

Submission:

Labcorp Genetics (formerly Invitae), Labcorp
Classification: Pathogenic for Early-infantile DEE. Last evaluated: 2020-12-24. Review status: criteria provided, single submitter. Criteria: Invitae Variant Classification Sherloc (09022015). Collection method: clinical testing. Allele origin: germline.
Comment: This sequence change inserts a large fragment of DNA, likely a transposable element, in exon 9 of the ST3GAL3 gene (c.729_730ins?), causing a frameshift at codon 244 (p.Tyr244Leufs). The exact size and sequence of the insertion cannot be determined by the current assay. However, the insertion is expected to result in an absent or disrupted protein product. This variant is not present in population databases (ExAC no frequency). This variant has not been reported in the literature in individuals with ST3GAL3-related conditions. Algorithms developed to predict the effect of sequence changes on RNA splicing suggest that this variant may create or strengthen a splice site, but this prediction has not been confirmed by published transcriptional studies. For these reasons, this variant has been classified as Pathogenic. Retrotransposon insertions including LINE1 (L1), Alu, and SVA (SINE-VNTR-Alu) have been reported to be disease-causing through disruption of either a coding region or splice site (PMID: 19763152, 20307669, 22406018) and loss-of-function variants in ST3GAL3 are known to be pathogenic (PMID: 31584066).

Literature cited by the submitters: PubMed 19763152; PubMed 20307669; PubMed 22406018; PubMed 31584066.